The following is an entry in ClinVar:

ClinVar aggregate classification (germline): Uncertain significance (1 of 4 stars; one submission).

Conditions:
Cardiovascular phenotype. Identifiers: MedGen CN230736.

Allele frequency attached by ClinVar (database versions not stated): gnomAD 0.00001; gnomAD exomes 0.00001; TOPMed 0.00001.
gnomAD v4.1: 9 of 1,550,288 alleles (0.00058%); highest among the groups gnomAD compares: Non-Finnish European, 0.00078%; no homozygotes.

Submission:

Ambry Genetics
Classification: Uncertain significance for Cardiovascular phenotype. Last evaluated: 2022-07-10. Review status: criteria provided, single submitter. Criteria: Ambry Variant Classification Scheme 2023. Collection method: clinical testing. Allele origin: germline.
Comment: The p.P2525S variant (also known as c.7573C>T), located in coding exon 2 of the ZNF469 gene, results from a C to T substitution at nucleotide position 7573. The proline at codon 2525 is replaced by serine, an amino acid with similar properties. This amino acid position is conserved. In addition, this alteration is predicted to be tolerated by in silico analysis. Since supporting evidence is limited at this time, the clinical significance of this alteration remains unclear.

NM_001367624.2(ZNF469):c.7657C>T (p.Pro2553Ser)

Gene: ZNF469 (zinc finger protein 469; plus strand). Cytogenetic location: 16q24.2.
Variant type: single nucleotide variant.
Coding change: c.7657C>T on transcript NM_001367624.2 (MANE Select); coding-DNA position 7657, C replaced by T.
Protein change: p.Pro2553Ser; replaces proline 2553 with serine.
Molecular consequence: missense variant.
Genome position (GRCh38, 1-based): chr16:88,435,127, C>T. VCF-style: chr16-88435127-C-T. GRCh37 (hg19) VCF-style: chr16-88501535-C-T.
Other names: NM_001127464.1:c.7573C>T; short protein forms P2553S.
Identifiers: ClinVar variation 1759587 (VCV001759587.2), dbSNP rs1307591237, ClinGen allele CA397113784.